The following is an entry in ClinVar:

NM_007272.3(CTRC):c.1A>G (p.Met1Val)

Gene: CTRC (chymotrypsin C; plus strand). Cytogenetic location: 1p36.21.
Variant type: single nucleotide variant.
Coding change: c.1A>G on transcript NM_007272.3 (MANE Select); coding-DNA position 1, A replaced by G.
Protein change: p.Met1Val; changes the start codon (methionine 1).
Molecular consequence: missense variant, initiator codon variant.
Genome position (GRCh38, 1-based): chr1:15,438,465, A>G. VCF-style: chr1-15438465-A-G. GRCh37 (hg19) VCF-style: chr1-15764961-A-G.
Other names: short protein forms M1V.
Identifiers: ClinVar variation 1784172 (VCV001784172.8), dbSNP rs544668774, ClinGen allele CA613175.
Genomic context (GRCh38, chr1:15,438,465, plus strand): 5'-TCCTGCCTATAAGTGTGCCCCAGCCCATCCCGATGGTCAGCCAGTCCTGAGCACCTAACC[A>G]TGTTGGGCATCACTGTCCTCGCTGCGCTCTTGGCCTGTGGTAAGCGGTGGGGTGGGGCTG-3'
Protein context (NP_009203.2, residues 1-11): [Met1Val]LGITVLAALL

ClinVar aggregate classification (germline): Conflicting classifications of pathogenicity. Review status: criteria provided, conflicting classifications (1 of 4 stars). 2 submissions from 2 submitters: Pathogenic (1); Uncertain significance (1). Last evaluated 2023-11-24.

Conditions:
Hereditary pancreatitis (PCTT). Also called: Hereditary chronic pancreatitis; PRSS1-Related Hereditary Pancreatitis. Identifiers: Orphanet 676, MedGen C0238339, MONDO:0008185, OMIM 167800.

Allele frequency attached by ClinVar (database versions not stated): ExAC 0.00001; gnomAD 0.00001; TOPMed 0.00002; 1000 Genomes Project 30x 0.00016; 1000 Genomes Project 0.00020.

Submissions (2):

Labcorp Genetics (formerly Invitae), Labcorp
Classification: Uncertain significance for Hereditary pancreatitis. Last evaluated: 2023-11-24. Review status: criteria provided, single submitter. Criteria: Invitae Variant Classification Sherloc (09022015). Collection method: clinical testing. Allele origin: germline.
Comment: This sequence change affects the initiator methionine of the CTRC mRNA. The next in-frame methionine is located at codon 200. This variant is present in population databases (rs544668774, gnomAD 0.01%). This variant has not been reported in the literature in individuals affected with CTRC-related conditions. ClinVar contains an entry for this variant (Variation ID: 1784172). Experimental studies and prediction algorithms are not available or were not evaluated, and the functional significance of this variant is currently unknown. In summary, the available evidence is currently insufficient to determine the role of this variant in disease. Therefore, it has been classified as a Variant of Uncertain Significance.

Ambry Genetics
Classification: Pathogenic for Hereditary pancreatitis. Last evaluated: 2018-04-30. Review status: criteria provided, single submitter. Criteria: Ambry Variant Classification Scheme 2023. Collection method: clinical testing. Allele origin: germline.
Comment: The p.M1? pathogenic mutation (also known as c.1A>G), located in coding exon 1 of the CTRC gene, results from an A to G substitution at nucleotide position 1. This alters the methionine residue at the initiation codon. Since sequence variations that modify the initiation codon (ATG) are expected to result in either loss of translation initiation, N-terminal truncation, or cause a shift in the mRNA reading frame, this alteration is interpreted as a disease-causing mutation.